The following is an entry in ClinVar:

ClinVar aggregate classification (germline): Likely pathogenic (1 of 4 stars; one submission).

Conditions:
KRAS-related disorder. Also called: KRAS-related condition; KRAS-related disorders.

Submission:

PreventionGenetics, part of Exact Sciences
Classification: Likely pathogenic for KRAS-related condition. Last evaluated: 2023-02-28. Review status: criteria provided, single submitter. Criteria: ACMG Guidelines, 2015. Collection method: clinical testing. Allele origin: germline.
Comment: The KRAS c.101C>A variant is predicted to result in the amino acid substitution p.Pro34Gln. This variant has been reported as de novo in two unrelated patients with Noonan syndrome (Zenker et al. 2007. PubMed ID: 17056636; Addissie et al. 2015. PubMed ID: 26249544). This variant has not been reported in a large population database, indicating this variant is rare. This variant is interpreted as likely pathogenic.

NM_004985.5(KRAS):c.101C>A (p.Pro34Gln)

Gene: KRAS (KRAS proto-oncogene, GTPase; minus strand). Cytogenetic location: 12p12.1.
Variant type: single nucleotide variant.
Coding change: c.101C>A on transcript NM_004985.5 (MANE Select); coding-DNA position 101, C replaced by A.
Protein change: p.Pro34Gln; replaces proline 34 with glutamine.
Molecular consequence: missense variant.
Genome position (GRCh38, 1-based): chr12:25,245,284, G>T on the plus strand (C>A on the coding strand, the complement: KRAS is on the minus strand). VCF-style: chr12-25245284-G-T. GRCh37 (hg19) VCF-style: chr12-25398218-G-T.
Other names: c.101C>A, p.Pro34Gln (NM_001369786.1, NM_001369787.1, NM_033360.4); short protein forms P34Q.
Identifiers: ClinVar variation 2630513 (VCV002630513.1), dbSNP rs104894366, ClinGen allele CA384157234.